The following is an entry in ClinVar:

ClinVar aggregate classification (germline): Likely pathogenic (1 of 4 stars; one submission).

Conditions:
Xeroderma pigmentosum (XP). Identifiers: Orphanet 910, MedGen C0043346, MONDO:0019600.

Submission:

Sema4
Classification: Likely pathogenic for Xeroderma pigmentosum. Last evaluated: 2021-05-27. Review status: criteria provided, single submitter. Criteria: Sema4 Curation Guidelines. Collection method: curation. Allele origin: germline.
Comment: The ERCC4 c.2017+1G>C variant has not been reported in the literature to our knowledge. This variant is predicted to abolish the canonical splice site leading to an abnormal or absent protein (loss of function). Loss-of-function variants in ERCC4 are known to be pathogenic (PMID: 9580660). This was not observed in the Genome Aggregation Database. The variant has not been reported in ClinVar. Based on the current evidence available, this variant is interpreted as likely pathogenic.

Literature cited by the submitters: PubMed 9580660.

NM_005236.3(ERCC4):c.2017+1G>C

Gene: ERCC4 (ERCC excision repair 4, endonuclease catalytic subunit; plus strand). Cytogenetic location: 16p13.12.
Variant type: single nucleotide variant.
Coding change: c.2017+1G>C on transcript NM_005236.3 (MANE Select); the canonical splice donor site of the intron after coding-DNA position 2017, G replaced by C.
Molecular consequence: splice donor variant.
Genome position (GRCh38, 1-based): chr16:13,944,836, G>C. VCF-style: chr16-13944836-G-C. GRCh37 (hg19) VCF-style: chr16-14038693-G-C.
Identifiers: ClinVar variation 1692880 (VCV001692880.1), dbSNP rs587777943, ClinGen allele CA394818383.